The following is an entry in ClinVar:

ClinVar aggregate classification (germline): Uncertain significance (1 of 4 stars; one submission).

Conditions:
Pulmonary hypertension, primary, 4. Identifiers: Orphanet 422, MedGen C3809198, MONDO:0014136, OMIM 615344.

Submission:

Labcorp Genetics (formerly Invitae), Labcorp
Classification: Uncertain significance for Pulmonary hypertension, primary, 4. Last evaluated: 2022-07-06. Review status: criteria provided, single submitter. Criteria: Invitae Variant Classification Sherloc (09022015). Collection method: clinical testing. Allele origin: germline.
Comment: In summary, the available evidence is currently insufficient to determine the role of this variant in disease. Therefore, it has been classified as a Variant of Uncertain Significance. Algorithms developed to predict the effect of missense changes on protein structure and function output the following: SIFT: "Tolerated"; PolyPhen-2: "Benign"; Align-GVGD: "Class C0". The serine amino acid residue is found in multiple mammalian species, which suggests that this missense change does not adversely affect protein function. ClinVar contains an entry for this variant (Variation ID: 1473962). This variant has not been reported in the literature in individuals affected with KCNK3-related conditions. This variant is not present in population databases (gnomAD no frequency). This sequence change replaces glycine, which is neutral and non-polar, with serine, which is neutral and polar, at codon 293 of the KCNK3 protein (p.Gly293Ser).

NM_002246.3(KCNK3):c.877G>A (p.Gly293Ser)

Gene: KCNK3 (potassium two pore domain channel subfamily K member 3; plus strand). Cytogenetic location: 2p23.3.
Variant type: single nucleotide variant.
Coding change: c.877G>A on transcript NM_002246.3 (MANE Select); coding-DNA position 877, G replaced by A.
Protein change: p.Gly293Ser; replaces glycine 293 with serine.
Molecular consequence: missense variant.
Genome position (GRCh38, 1-based): chr2:26,728,260, G>A. VCF-style: chr2-26728260-G-A. GRCh37 (hg19) VCF-style: chr2-26951128-G-A.
Other names: short protein forms G293S.
Identifiers: ClinVar variation 1473962 (VCV001473962.8), dbSNP rs753913235, ClinGen allele CA346262940.